The following is an entry in ClinVar:

NM_003619.4(PRSS12):c.235G>C (p.Ala79Pro)

Gene: PRSS12 (serine protease 12; minus strand). Cytogenetic location: 4q26.
Variant type: single nucleotide variant.
Coding change: c.235G>C on transcript NM_003619.4 (MANE Select); coding-DNA position 235, G replaced by C.
Protein change: p.Ala79Pro; replaces alanine 79 with proline.
Molecular consequence: missense variant.
Genome position (GRCh38, 1-based): chr4:118,352,486, C>G on the plus strand (G>C on the coding strand, the complement: PRSS12 is on the minus strand). VCF-style: chr4-118352486-C-G. GRCh37 (hg19) VCF-style: chr4-119273641-C-G.
Other names: short protein forms A79P.
Identifiers: ClinVar variation 1029732 (VCV001029732.3), dbSNP rs767822958, ClinGen allele CA3055980.

ClinVar aggregate classification (germline): Uncertain significance. Review status: criteria provided, multiple submitters, no conflicts (2 of 4 stars). 2 submissions from 2 submitters: Uncertain significance (2). Last evaluated 2021-10-06.

Conditions:
Intellectual developmental disorder, autosomal recessive 1. Also called: MENTAL RETARDATION, AUTOSOMAL RECESSIVE 1; Intellectual disability, autosomal recessive 1. Identifiers: Orphanet 88616, MedGen C1855304, MONDO:0009580, OMIM 249500.

Allele frequency attached by ClinVar (database versions not stated): gnomAD exomes 0.00004; ExAC below 0.00001; TOPMed 0.00005.
gnomAD v4.1: 58 of 1,376,038 alleles (0.0042%); highest among the groups gnomAD compares: Non-Finnish European, 0.0049%; no homozygotes.

Submissions (2):

Ambry Genetics
Classification: Uncertain significance. Last evaluated: 2021-10-06. Review status: criteria provided, single submitter. Criteria: Ambry Variant Classification Scheme 2023. Collection method: clinical testing. Allele origin: germline.

Baylor Genetics
Classification: Uncertain significance for Intellectual developmental disorder, autosomal recessive 1. Last evaluated: 2019-02-20. Review status: criteria provided, single submitter. Criteria: ACMG Guidelines, 2015. Collection method: clinical testing. Allele origin: unknown. Affected: yes.
Comment: This variant was determined to be of uncertain significance according to ACMG Guidelines, 2015 [PMID:25741868].